The following is an entry in ClinVar:

NM_033409.4(SLC52A3):c.761A>T (p.Asp254Val)

Gene: SLC52A3 (solute carrier family 52 member 3; minus strand). Cytogenetic location: 20p13.
Variant type: single nucleotide variant.
Coding change: c.761A>T on transcript NM_033409.4 (MANE Select); coding-DNA position 761, A replaced by T.
Protein change: p.Asp254Val; replaces aspartic acid 254 with valine.
Molecular consequence: missense variant.
Genome position (GRCh38, 1-based): chr20:763,810, T>A on the plus strand (A>T on the coding strand, the complement: SLC52A3 is on the minus strand). VCF-style: chr20-763810-T-A. GRCh37 (hg19) VCF-style: chr20-744454-T-A.
Other names: c.761A>T, p.Asp254Val (NM_001370085.1, NM_001370086.1); c.761A>T (NM_033409.3); short protein forms D254V.
Identifiers: ClinVar variation 1952711 (VCV001952711.6), dbSNP rs752797364, ClinGen allele CA9724690.

ClinVar aggregate classification (germline): Uncertain significance. Review status: criteria provided, multiple submitters, no conflicts (2 of 4 stars). 2 submissions from 2 submitters: Uncertain significance (2). Last evaluated 2024-03-19.

Conditions:
Brown-Vialetto-van Laere syndrome 1. Also called: BROWN-VIALETTO-VAN LAERE SYNDROME 1, MILD; BULBAR PALSY, PROGRESSIVE, WITH SENSORINEURAL DEAFNESS; PONTOBULBAR PALSY WITH DEAFNESS. Identifiers: Orphanet 572550, Orphanet 97229, MedGen C0796274, MONDO:0024537, OMIM 211530.

Allele frequency attached by ClinVar (database versions not stated): ExAC 0.00001.
gnomAD v4.1: 3 of 1,613,880 alleles (0.00019%); highest among the groups gnomAD compares: South Asian, 0.0022%; no homozygotes.

Submissions (2):

GeneDx
Classification: Uncertain significance. Last evaluated: 2024-03-19. Review status: criteria provided, single submitter. Criteria: GeneDx Variant Classification Process June 2021. Collection method: clinical testing. Allele origin: germline. Affected: yes.
Comment: Has not been previously published as pathogenic or benign to our knowledge; Not observed at significant frequency in large population cohorts (gnomAD); In silico analysis supports that this missense variant has a deleterious effect on protein structure/function

Labcorp Genetics (formerly Invitae), Labcorp
Classification: Uncertain significance for Brown-Vialetto-van Laere syndrome 1. Last evaluated: 2022-07-03. Review status: criteria provided, single submitter. Criteria: Invitae Variant Classification Sherloc (09022015). Collection method: clinical testing. Allele origin: germline.
Comment: This variant has not been reported in the literature in individuals affected with SLC52A3-related conditions. This variant is present in population databases (rs752797364, gnomAD 0.003%). This sequence change replaces aspartic acid, which is acidic and polar, with valine, which is neutral and non-polar, at codon 254 of the SLC52A3 protein (p.Asp254Val). In summary, the available evidence is currently insufficient to determine the role of this variant in disease. Therefore, it has been classified as a Variant of Uncertain Significance. Algorithms developed to predict the effect of missense changes on protein structure and function (SIFT, PolyPhen-2, Align-GVGD) all suggest that this variant is likely to be tolerated.